The following is an entry in ClinVar:

ClinVar aggregate classification (germline): Uncertain significance (1 of 4 stars; one submission).

Conditions:
Spastic paraplegia. Identifiers: MedGen C0037772, HP:0001258.

Allele frequency attached by ClinVar (database versions not stated): TOPMed below 0.00001; gnomAD exomes 0.00001.

Submission:

Labcorp Genetics (formerly Invitae), Labcorp
Classification: Uncertain significance for Spastic paraplegia. Last evaluated: 2025-08-21. Review status: criteria provided, single submitter. Criteria: Invitae Variant Classification Sherloc (09022015). Collection method: clinical testing. Allele origin: germline.
Comment: This sequence change replaces asparagine, which is neutral and polar, with serine, which is neutral and polar, at codon 400 of the KIF5A protein (p.Asn400Ser). This variant is present in population databases (no rsID available, gnomAD 0.0009%). This variant has not been reported in the literature in individuals affected with KIF5A-related conditions. ClinVar contains an entry for this variant (Variation ID: 2175836). Invitae Evidence Modeling of protein sequence and biophysical properties (such as structural, functional, and spatial information, amino acid conservation, physicochemical variation, residue mobility, and thermodynamic stability) indicates that this missense variant is not expected to disrupt KIF5A protein function with a negative predictive value of 95%. In summary, the available evidence is currently insufficient to determine the role of this variant in disease. Therefore, it has been classified as a Variant of Uncertain Significance.

NM_004984.4(KIF5A):c.1199A>G (p.Asn400Ser)

Gene: KIF5A (kinesin family member 5A; plus strand). Cytogenetic location: 12q13.3.
Variant type: single nucleotide variant.
Coding change: c.1199A>G on transcript NM_004984.4 (MANE Select); coding-DNA position 1199, A replaced by G.
Protein change: p.Asn400Ser; replaces asparagine 400 with serine.
Molecular consequence: missense variant.
Genome position (GRCh38, 1-based): chr12:57,570,068, A>G. VCF-style: chr12-57570068-A-G. GRCh37 (hg19) VCF-style: chr12-57963851-A-G.
Other names: c.932A>G, p.Asn311Ser (NM_001354705.2); short protein forms N311S, N400S.
Identifiers: ClinVar variation 2175836 (VCV002175836.4), dbSNP rs1021367307, ClinGen allele CA237783762.
Genomic context (GRCh38, chr12:57,570,068, plus strand): 5'-AGCGCCTGGCTGGGGAGGAGGCAGCCCTGGGAGCCGAGCTCTGTGAGGAGACCCCTGTGA[A>G]TGACAACTCATCCATCGTGGTGCGCATCGCGCCCGAGGAGCGGCAGAAATACGAGGAGGA-3'
Protein context (NP_004975.2, residues 390-410): GAELCEETPV[Asn400Ser]DNSSIVVRIA